The following is an entry in ClinVar:

ClinVar aggregate classification (germline): Likely pathogenic. Review status: criteria provided, multiple submitters, no conflicts (2 of 4 stars). 2 submissions from 2 submitters: Likely pathogenic (2). Last evaluated 2025-01-29.

Conditions:
Epidermolysis bullosa dystrophica. Also called: Dystrophic epidermolysis bullosa, Hallopeau-Siemens type (formerly); Dystrophic epidermolysis bullosa. Identifiers: Orphanet 303, MedGen C0079294, MONDO:0006543.

Submissions (2):

Natera, Inc.
Classification: Likely pathogenic for Dystrophic epidermolysis bullosa. Last evaluated: 2025-01-29. Review status: criteria provided, single submitter. Criteria: Natera Variant Classification Schema (03/2026). Collection method: clinical testing. Allele origin: germline.
Comment: The c.8305-2A>C variant in COL7A1 is a canonical splice acceptor site variant predicted to affect pre-mRNA splicing, which may result in an abnormal transcript and altered protein product. This variant is expected to result in nonsense mediated decay, truncation, or a dysfunctional protein product. This variant is rare in the general population with a frequency below the threshold expected for the associated phenotype(s). Given the available evidence, this variant is classified as Likely Pathogenic.

Labcorp Genetics (formerly Invitae), Labcorp
Classification: Likely pathogenic. Last evaluated: 2024-07-20. Review status: criteria provided, single submitter. Criteria: Invitae Variant Classification Sherloc (09022015). Collection method: clinical testing. Allele origin: germline.
Comment: This sequence change affects an acceptor splice site in intron 111 of the COL7A1 gene. It is expected to disrupt splicing. Variants that disrupt the donor or acceptor splice site typically lead to a loss of protein function (PMID: 16199547), and loss-of-function variants in COL7A1 are known to be disease-causing for autosomal recessive dystrophic epidermolysis bullosa (PMID: 16971478). However, certain variants affecting donor or acceptor splice sites in the triple helical domain of COL7A1 are expected to result in in-frame exon skipping and have been reported to cause autosomal dominant dystrophic epidermolysis bullosa (PMID: 31670143). This variant is not present in population databases (gnomAD no frequency). This variant has not been reported in the literature in individuals affected with COL7A1-related conditions. ClinVar contains an entry for this variant (Variation ID: 1508924). Algorithms developed to predict the effect of sequence changes on RNA splicing suggest that this variant may disrupt the consensus splice site. In summary, the currently available evidence indicates that the variant is pathogenic, but additional data are needed to prove that conclusively. Therefore, this variant has been classified as Likely Pathogenic.

Literature cited by the submitters: PubMed 16199547 (cited by Labcorp Genetics (formerly Invitae), Labcorp); PubMed 16971478 (cited by Labcorp Genetics (formerly Invitae), Labcorp); PubMed 31670143 (cited by Labcorp Genetics (formerly Invitae), Labcorp).

NM_000094.4(COL7A1):c.8305-2A>C

Gene: COL7A1 (collagen type VII alpha 1 chain; minus strand). Cytogenetic location: 3p21.31.
Variant type: single nucleotide variant.
Coding change: c.8305-2A>C on transcript NM_000094.4 (MANE Select); the canonical splice acceptor site of the intron before coding-DNA position 8305, A replaced by C.
Molecular consequence: splice acceptor variant.
Genome position (GRCh38, 1-based): chr3:48,566,565, T>G on the plus strand (A>C on the coding strand, the complement: COL7A1 is on the minus strand). VCF-style: chr3-48566565-T-G. GRCh37 (hg19) VCF-style: chr3-48603998-T-G.
Other names: c.8305-2A>C (NM_000094.3).
Identifiers: ClinVar variation 1508924 (VCV001508924.7), dbSNP rs2107631431, ClinGen allele CA352637128.